The following is an entry in ClinVar:

NM_016194.4(GNB5):c.863G>A (p.Arg288Gln)

Gene: GNB5 (G protein subunit beta 5; minus strand). Cytogenetic location: 15q21.2.
Variant type: single nucleotide variant.
Coding change: c.863G>A on transcript NM_016194.4 (MANE Select); coding-DNA position 863, G replaced by A.
Protein change: p.Arg288Gln; replaces arginine 288 with glutamine.
Molecular consequence: missense variant.
Genome position (GRCh38, 1-based): chr15:52,133,378, C>T on the plus strand (G>A on the coding strand, the complement: GNB5 is on the minus strand). VCF-style: chr15-52133378-C-T. GRCh37 (hg19) VCF-style: chr15-52425575-C-T.
Other names: p.(Arg288Gln); c.581G>A, p.Arg194Gln (NM_001379343.1); c.737G>A, p.Arg246Gln (NM_006578.4); c.863G>A (NM_016194.3); short protein forms R246Q, R194Q, R288Q.
Identifiers: ClinVar variation 2575918 (VCV002575918.3), dbSNP rs755832695, ClinGen allele CA7565624.
Genomic context (GRCh38, chr15:52,133,378, plus strand): 5'-TACCCAAGCCAGGCAATGCCGGCAGAACAGAGAGGTGGCATGAACATTCTACTCACTGAC[C>T]GGACACTGTTGATGTCAGATTCATGTGTTTCAAAGGCCTGCACGCACTGGCCGGAGCGCA-3'
Protein context (NP_057278.2, residues 278-298): ETHESDINSV[Arg288Gln]YYPSGDAFAS

ClinVar aggregate classification (germline): Pathogenic/Likely pathogenic. Review status: criteria provided, multiple submitters, no conflicts (2 of 4 stars). 3 submissions from 3 submitters: Pathogenic (1); Likely pathogenic (1). 1 of the submissions does not count toward it. Last evaluated 2025-10-14.

Conditions:
Lodder-Merla syndrome, type 1, with impaired intellectual development and cardiac arrhythmia. Also called: Intellectual developmental disorder with cardiac arrhythmia; Gnb5-related intellectual disability-cardiac arrhythmia syndrome. Identifiers: Orphanet 542306, MedGen C5568877, MONDO:0014953, OMIM 617173.

Allele frequency attached by ClinVar (database versions not stated): ExAC 0.00001.

Submissions (3):

Department of Molecular Genetics, Istishari Arab Hospital
Classification: Pathogenic for Lodder-Merla syndrome, type 1, with impaired intellectual development and cardiac arrhythmia. Last evaluated: 2025-10-14. Review status: criteria provided, single submitter. Criteria: ACMG Guidelines, 2015. Collection method: clinical testing. Allele origin: germline. Inheritance: Autosomal recessive inheritance. Affected: yes.
Comment: The GNB5 variant c.863G>A p.(Arg288Gln), located at the last nucleotide of exon 9 out of 13, creates an amino acid change from Arg to Gln at position 288. Additionally, a previous cDNA validation study was performed in our lab and confirmed an aberrant splicing event with the inclusion of 4 bp from intron 9, resulting in a shift in the reading frame. This variant was previously reported in a patient with Intellectual developmental disorder with cardiac arrhythmia syndrome (PMID: 29368331). This variant is observed with very low frequency in the gnomAD v4.1.0 dataset (<0.001). ClinVar lists this variant with interpretation (Likely pathogenic). It is classified as pathogenic (class 1) according to the recommendations of ACMG/AMP/ClinGen SVI guidelines.

Clinical Genetics Laboratory, Skane University Hospital Lund
Classification: Likely pathogenic for Lodder-Merla syndrome, type 1, with impaired intellectual development and cardiac arrhythmia. Last evaluated: 2025-06-12. Review status: criteria provided, single submitter. Criteria: ACMG Guidelines, 2015. Collection method: clinical testing. Allele origin: germline. Inheritance: Autosomal recessive inheritance. Affected: yes.
Comment: ACMG-criteria used: PM2, PM3, PP3, PP4

OMIM
Classification: Pathogenic for LODDER-MERLA SYNDROME, TYPE 1, WITH IMPAIRED INTELLECTUAL DEVELOPMENT AND CARDIAC ARRHYTHMIA. Last evaluated: 2023-08-16. Review status: no assertion criteria provided. Collection method: literature only. Allele origin: germline. Not counted in ClinVar's aggregate classification.

Literature cited by the submitters: PubMed 29368331 (cited by Department of Molecular Genetics, Istishari Arab Hospital and OMIM).